The following is an entry in ClinVar:

NM_206933.4(USH2A):c.6325+1G>A

Gene: USH2A (usherin; minus strand). Cytogenetic location: 1q41.
Variant type: single nucleotide variant.
Coding change: c.6325+1G>A on transcript NM_206933.4 (MANE Select); the canonical splice donor site of the intron after coding-DNA position 6325, G replaced by A.
Molecular consequence: splice donor variant.
Genome position (GRCh38, 1-based): chr1:216,046,430, C>T on the plus strand (G>A on the coding strand, the complement: USH2A is on the minus strand). VCF-style: chr1-216046430-C-T. GRCh37 (hg19) VCF-style: chr1-216219772-C-T.
Identifiers: ClinVar variation 648680 (VCV000648680.18), dbSNP rs1293202153, ClinGen allele CA344858600.
Genomic context (GRCh38, chr1:216,046,430, plus strand): 5'-TATGTATGTTTATATTTGAATATAGACTATAACAATTCGCTGATAACTCTAGAGGTCTTA[C>T]CTGTGACTATGTAGTTCTCCTCACTGCCTGAATAGATCAGCCTCCCATCCATGTATAAAC-3'

ClinVar aggregate classification (germline): Pathogenic. Review status: criteria provided, multiple submitters, no conflicts (2 of 4 stars). 5 submissions from 5 submitters: Pathogenic (5). Last evaluated 2024-06-04.

Conditions:
Retinitis pigmentosa 39 (RP39). Identifiers: Orphanet 791, MedGen C3151138, MONDO:0013436, OMIM 613809.
Usher syndrome type 2A. Also called: RETINAL DISEASE IN USHER SYNDROME TYPE IIA, MODIFIER OF; USHER SYNDROME, TYPE IIA. Identifiers: Orphanet 231178, Orphanet 886, MedGen C1848634, MONDO:0010169, OMIM 276901.

Submissions (5):

Fulgent Genetics
Classification: Pathogenic for Usher syndrome type 2A; Retinitis pigmentosa 39. Last evaluated: 2024-06-04. Review status: criteria provided, single submitter. Criteria: ACMG Guidelines, 2015. Collection method: clinical testing. Allele origin: germline.

Natera, Inc.
Classification: Pathogenic for Usher syndrome type 2A. Last evaluated: 2024-04-10. Review status: criteria provided, single submitter. Criteria: Natera Variant Classification Schema (03/2026). Collection method: clinical testing. Allele origin: germline.
Comment: The c.6325+1G>A variant in USH2A is a canonical splice donor site variant predicted to affect pre-mRNA splicing, which may result in an abnormal transcript and altered protein product. This variant is expected to result in nonsense mediated decay, truncation, or a dysfunctional protein product. This variant is rare in the general population with a frequency below the threshold expected for the associated phenotype(s). This variant has been observed in one or more individuals affected with the associated recessive disease, as either homozygous or compound heterozygous with a second variant (PMID: 32188678). Given the available evidence, this variant is classified as Pathogenic.

Baylor Genetics
Classification: Pathogenic for Retinitis pigmentosa 39. Last evaluated: 2024-03-12. Review status: criteria provided, single submitter. Criteria: ACMG Guidelines, 2015. Collection method: clinical testing. Allele origin: unknown.

Labcorp Genetics (formerly Invitae), Labcorp
Classification: Pathogenic. Last evaluated: 2024-02-05. Review status: criteria provided, single submitter. Criteria: Invitae Variant Classification Sherloc (09022015). Collection method: clinical testing. Allele origin: germline.
Comment: This sequence change affects a donor splice site in intron 32 of the USH2A gene. It is expected to disrupt RNA splicing. Variants that disrupt the donor or acceptor splice site typically lead to a loss of protein function (PMID: 16199547), and loss-of-function variants in USH2A are known to be pathogenic (PMID: 10729113, 10909849, 20507924, 25649381). This variant is not present in population databases (gnomAD no frequency). Disruption of this splice site has been observed in individual(s) with retinitis pigmentosa (PMID: 20309401). It has also been observed to segregate with disease in related individuals. ClinVar contains an entry for this variant (Variation ID: 648680). Algorithms developed to predict the effect of sequence changes on RNA splicing suggest that this variant may disrupt the consensus splice site. For these reasons, this variant has been classified as Pathogenic.

Juno Genomics, Hangzhou Juno Genomics, Inc
Classification: Pathogenic for Retinitis pigmentosa 39; Usher syndrome type 2A. Review status: criteria provided, single submitter. Criteria: ACMG Guidelines, 2015. Collection method: clinical testing. Allele origin: germline.
Comment: Absent from controls (or at extremely low frequency if recessive) in Genome Aggregation Database.;Null variant in a gene where loss of function (LOF) is a known mechanism of disease.;For recessive disorders, detected in trans with a pathogenic variant.;Co-segregation with disease in multiple affected family members.

Literature cited by the submitters: PubMed 32188678 (cited by Natera, Inc.); PubMed 16199547 (cited by Labcorp Genetics (formerly Invitae), Labcorp); PubMed 10729113 (cited by Labcorp Genetics (formerly Invitae), Labcorp); PubMed 10909849 (cited by Labcorp Genetics (formerly Invitae), Labcorp); PubMed 20507924 (cited by Labcorp Genetics (formerly Invitae), Labcorp); PubMed 25649381 (cited by Labcorp Genetics (formerly Invitae), Labcorp); PubMed 20309401 (cited by Labcorp Genetics (formerly Invitae), Labcorp).